The following is an entry in ClinVar:

NM_001005242.3(PKP2):c.1727C>G (p.Ala576Gly)

Gene: PKP2 (plakophilin 2; minus strand). Cytogenetic location: 12p11.21.
Variant type: single nucleotide variant.
Coding change: c.1727C>G on transcript NM_001005242.3 (MANE Select); coding-DNA position 1727, C replaced by G.
Protein change: p.Ala576Gly; replaces alanine 576 with glycine.
Molecular consequence: missense variant. On other transcripts: intron variant (1).
Genome position (GRCh38, 1-based): chr12:32,822,579, G>C on the plus strand (C>G on the coding strand, the complement: PKP2 is on the minus strand). VCF-style: chr12-32822579-G-C. GRCh37 (hg19) VCF-style: chr12-32975513-G-C.
Other names: c.1727C>G, p.Ala576Gly (NM_001407155.1, NM_001407161.1); c.1859C>G, p.Ala620Gly (NM_001407157.1, NM_004572.4); c.1400C>G, p.Ala467Gly (NM_001407158.1, NM_001407159.1, NM_001407160.1 and 1 more transcripts); c.1675-1050C>G (NM_001407156.1); short protein forms A467G, A576G, A620G.
Identifiers: ClinVar variation 5016862 (VCV005016862.1).

ClinVar aggregate classification (germline): Uncertain significance (1 of 4 stars; one submission).

Submission:

GeneDx
Classification: Uncertain significance. Last evaluated: 2026-04-06. Review status: criteria provided, single submitter. Criteria: GeneDx Variant Classification Process June 2021. Collection method: clinical testing. Allele origin: germline.
Comment: Not observed at significant frequency in large population cohorts (gnomAD); In silico analysis supports that this missense variant has a deleterious effect on protein structure/function; Has not been previously published as pathogenic or benign to our knowledge